The following is an entry in ClinVar:

ClinVar aggregate classification (germline): Uncertain significance. Review status: criteria provided, multiple submitters, no conflicts (2 of 4 stars). 2 submissions from 2 submitters: Uncertain significance (2). Last evaluated 2025-08-27.

Conditions:
Inborn genetic diseases. Identifiers: MedGen C0950123, MeSH D030342.

Allele frequency attached by ClinVar (database versions not stated): gnomAD exomes 0.00002; TOPMed 0.00011; gnomAD 0.00006; ExAC 0.00009.
gnomAD v4.1: 20 of 1,603,666 alleles (0.0012%); highest among the groups gnomAD compares: African/African-American, 0.0094%; no homozygotes.

Submissions (2):

Ambry Genetics
Classification: Uncertain significance for Inborn genetic diseases. Last evaluated: 2025-08-27. Review status: criteria provided, single submitter. Criteria: Ambry Variant Classification Scheme 2023. Collection method: clinical testing. Allele origin: germline.

GeneDx
Classification: Uncertain significance. Last evaluated: 2024-03-27. Review status: criteria provided, single submitter. Criteria: GeneDx Variant Classification Process June 2021. Collection method: clinical testing. Allele origin: germline. Affected: yes.
Comment: Not observed at significant frequency in large population cohorts (gnomAD); In silico analysis supports that this missense variant does not alter protein structure/function; Has not been previously published as pathogenic or benign to our knowledge

NM_001497.4(B4GALT1):c.50C>T (p.Ala17Val)

Genes: B4GALT1 (beta-1,4-galactosyltransferase 1; minus strand), B4GALT1-AS1 (B4GALT1 antisense RNA 1; plus strand). Cytogenetic location: 9p21.1.
Variant type: single nucleotide variant.
Coding change: c.50C>T on transcript NM_001497.4 (MANE Select); coding-DNA position 50, C replaced by T.
Protein change: p.Ala17Val; replaces alanine 17 with valine.
Molecular consequence: missense variant.
Genome position (GRCh38, 1-based): chr9:33,167,120, G>A on the plus strand (C>T on the coding strand, the complement: B4GALT1 is on the minus strand). VCF-style: chr9-33167120-G-A. GRCh37 (hg19) VCF-style: chr9-33167118-G-A.
Other names: c.11C>T, p.Ala4Val (NM_001378495.1); c.50C>T, p.Ala17Val (NM_001378496.1, NM_001378497.1); short protein forms A17V, A4V.
Identifiers: ClinVar variation 2482596 (VCV002482596.4), dbSNP rs753440673, ClinGen allele CA5023852.